The following is an entry in ClinVar:

NM_021814.5(ELOVL5):c.58+6G>C

Gene: ELOVL5 (ELOVL fatty acid elongase 5; minus strand). Cytogenetic location: 6p12.1.
Variant type: single nucleotide variant.
Coding change: c.58+6G>C on transcript NM_021814.5 (MANE Select); 6 bases into the intron after coding-DNA position 58, G replaced by C.
Molecular consequence: intron variant.
Genome position (GRCh38, 1-based): chr6:53,295,636, C>G on the plus strand (G>C on the coding strand, the complement: ELOVL5 is on the minus strand). VCF-style: chr6-53295636-C-G. GRCh37 (hg19) VCF-style: chr6-53160434-C-G.
Other names: c.58+6G>C (NM_001242830.2, NM_001242828.2, NM_001301856.2 and 1 more transcripts).
Identifiers: ClinVar variation 4709324 (VCV004709324.1).

ClinVar aggregate classification (germline): Uncertain significance (1 of 4 stars; one submission).

gnomAD v4.1: 33 of 1,599,476 alleles (0.0021%); highest among the groups gnomAD compares: Non-Finnish European, 0.0026%; no homozygotes.

Submission:

Labcorp Genetics (formerly Invitae), Labcorp
Classification: Uncertain significance. Last evaluated: 2026-01-17. Review status: criteria provided, single submitter. Criteria: Invitae Variant Classification Sherloc (09022015). Collection method: clinical testing. Allele origin: germline.
Comment: This sequence change falls in intron 2 of the ELOVL5 gene. It does not directly change the encoded amino acid sequence of the ELOVL5 protein. It affects a nucleotide within the consensus splice site. This variant is present in population databases (rs367771049, gnomAD 0.003%). This variant has not been reported in the literature in individuals affected with ELOVL5-related conditions. Variants that disrupt the consensus splice site are a relatively common cause of aberrant splicing (PMID: 17576681, 9536098). Algorithms developed to predict the effect of sequence changes on RNA splicing suggest that this variant is not likely to affect RNA splicing. In summary, the available evidence is currently insufficient to determine the role of this variant in disease. Therefore, it has been classified as a Variant of Uncertain Significance.

Literature cited by the submitters: PubMed 17576681; PubMed 9536098.